The following is an entry in ClinVar:

NM_001081.4(CUBN):c.2789T>A (p.Leu930Ter)

Gene: CUBN (cubilin; minus strand). Cytogenetic location: 10p13.
Variant type: single nucleotide variant.
Coding change: c.2789T>A on transcript NM_001081.4 (MANE Select); coding-DNA position 2789, T replaced by A.
Protein change: p.Leu930Ter; replaces leucine 930 with a stop codon.
Molecular consequence: nonsense.
Genome position (GRCh38, 1-based): chr10:17,068,607, A>T on the plus strand (T>A on the coding strand, the complement: CUBN is on the minus strand). VCF-style: chr10-17068607-A-T. GRCh37 (hg19) VCF-style: chr10-17110606-A-T.
Other names: short protein forms L930*.
Identifiers: ClinVar variation 3729229 (VCV003729229.2).
Genomic context (GRCh38, chr10:17,068,607, plus strand): 5'-TTCACTTATTCTGATACAAGCCCAAGAGGAGGAAAAAAAAAAGGGAACAGTCTCTTACCC[A>T]AATCCTCAGCACTGAACTTAGCCATGAAACCATGGTTTTCAGTAGAAGAACTTTTCACGA-3'

ClinVar aggregate classification (germline): Pathogenic (1 of 4 stars; one submission).

Conditions:
Imerslund-Grasbeck syndrome. Also called: Megaloblastic anemia due to inborn errors of metabolism; Imerslund-Gräsbeck syndrome; ENTEROCYTE COBALAMIN MALABSORPTION; ENTEROCYTE INTRINSIC FACTOR RECEPTOR, DEFECT OF; PERNICIOUS ANEMIA, JUVENILE, DUE TO SELECTIVE INTESTINAL MALABSORPTION OF VITAMIN B12, WITH PROTEINURIA. Identifiers: Orphanet 35858, MedGen C4551825, MONDO:0009853.

Submission:

Labcorp Genetics (formerly Invitae), Labcorp
Classification: Pathogenic for Imerslund-Grasbeck syndrome. Last evaluated: 2025-01-19. Review status: criteria provided, single submitter. Criteria: Invitae Variant Classification Sherloc (09022015). Collection method: clinical testing. Allele origin: germline.
Comment: This sequence change creates a premature translational stop signal (p.Leu930*) in the CUBN gene. It is expected to result in an absent or disrupted protein product. Loss-of-function variants in CUBN are known to be pathogenic (PMID: 15024727, 22929189, 25349199, 31613795, 34979989). This variant is not present in population databases (gnomAD no frequency). This variant has not been reported in the literature in individuals affected with CUBN-related conditions. Algorithms developed to predict the effect of sequence changes on RNA splicing suggest that this variant may disrupt the consensus splice site. For these reasons, this variant has been classified as Pathogenic.

Literature cited by the submitters: PubMed 15024727; PubMed 22929189; PubMed 25349199; PubMed 31613795; PubMed 34979989.